The following is an entry in ClinVar:

NM_001243279.3(ACSF3):c.575G>A (p.Trp192Ter)

Gene: ACSF3 (acyl-CoA synthetase family member 3; plus strand). Cytogenetic location: 16q24.3.
Variant type: single nucleotide variant.
Coding change: c.575G>A on transcript NM_001243279.3 (MANE Select); coding-DNA position 575, G replaced by A.
Protein change: p.Trp192Ter; replaces tryptophan 192 with a stop codon.
Molecular consequence: nonsense. On other transcripts: non-coding transcript variant (3), intron variant (1).
Genome position (GRCh38, 1-based): chr16:89,101,256, G>A. VCF-style: chr16-89101256-G-A. GRCh37 (hg19) VCF-style: chr16-89167664-G-A.
Other names: c.575G>A, p.Trp192Ter (NM_001127214.4, NM_174917.5); c.-129-1348G>A (NM_001284316.2); short protein forms W192*.
Identifiers: ClinVar variation 2680558 (VCV002680558.4), dbSNP rs1975291440, ClinGen allele CA397135384.
Genomic context (GRCh38, chr16:89,101,256, plus strand): 5'-CAGCCATCTACACTGGAGCAGTAGAGGAACCGGCAGAGGTCCCGGTCCCAGAGCAGGGAT[G>A]GAGGAACAAGGGCGCCATGATCATCTACACCAGTGGGACCACGGGGAGGCCCAAGGGCGT-3'

ClinVar aggregate classification (germline): Pathogenic/Likely pathogenic. Review status: criteria provided, multiple submitters, no conflicts (2 of 4 stars). 2 submissions from 2 submitters: Pathogenic (1); Likely pathogenic (1). Last evaluated 2023-08-16.

Conditions:
Combined malonic and methylmalonic acidemia. Identifiers: Orphanet 289504, MedGen C3280314, MONDO:0013661, OMIM 614265.

Allele frequency attached by ClinVar (database versions not stated): gnomAD exomes below 0.00001; TOPMed below 0.00001; gnomAD 0.00001.

Submissions (2):

Labcorp Genetics (formerly Invitae), Labcorp
Classification: Pathogenic for Combined malonic and methylmalonic acidemia. Last evaluated: 2023-08-16. Review status: criteria provided, single submitter. Criteria: Invitae Variant Classification Sherloc (09022015). Collection method: clinical testing. Allele origin: germline.
Comment: For these reasons, this variant has been classified as Pathogenic. This variant has not been reported in the literature in individuals affected with ACSF3-related conditions. This variant is not present in population databases (gnomAD no frequency). This sequence change creates a premature translational stop signal (p.Trp192*) in the ACSF3 gene. It is expected to result in an absent or disrupted protein product. Loss-of-function variants in ACSF3 are known to be pathogenic (PMID: 21841779, 26827111).

Baylor Genetics
Classification: Likely pathogenic for Combined malonic and methylmalonic acidemia. Last evaluated: 2023-01-25. Review status: criteria provided, single submitter. Criteria: ACMG Guidelines, 2015. Collection method: clinical testing. Allele origin: unknown.

Literature cited by the submitters: PubMed 21841779 (cited by Labcorp Genetics (formerly Invitae), Labcorp); PubMed 26827111 (cited by Labcorp Genetics (formerly Invitae), Labcorp).